The following is an entry in ClinVar:

ClinVar aggregate classification (germline): Conflicting classifications of pathogenicity. Review status: criteria provided, conflicting classifications (1 of 4 stars). 5 submissions from 5 submitters: Uncertain significance (1); Benign (1); Likely benign (3). Last evaluated 2026-01-17.

Conditions:
NFKB1-related disorder. Also called: NFKB1-related condition.
Immunodeficiency, common variable, 12 (CVID12). Also called: NFKB1 DEFICIENCY; IMMUNODEFICIENCY, COMMON VARIABLE, 12, WITH AUTOIMMUNITY. Identifiers: Orphanet 1572, Orphanet 696874, MedGen C4225277, MONDO:0014697, OMIM 616576.

Allele frequency attached by ClinVar (database versions not stated): 1000 Genomes Project 30x 0.00016; 1000 Genomes Project 0.00020; TOPMed 0.00038; gnomAD 0.00044 and 0.00046; ExAC 0.00045; gnomAD exomes 0.00048 and 0.00053; ESP Exome Variant Server 0.00054.
gnomAD v4.1: 764 of 1,613,650 alleles (0.047%); highest among the groups gnomAD compares: East Asian, 0.1%; no homozygotes.

Submissions (5):

Labcorp Genetics (formerly Invitae), Labcorp
Classification: Likely benign. Last evaluated: 2026-01-17. Review status: criteria provided, single submitter. Criteria: Invitae Variant Classification Sherloc (09022015). Collection method: clinical testing. Allele origin: germline.

Blueprint Genetics
Classification: Uncertain significance. Last evaluated: 2024-11-13. Review status: criteria provided, single submitter. Criteria: ACMG Guidelines, 2015. Collection method: clinical testing. Allele origin: germline.

PreventionGenetics, part of Exact Sciences
Classification: Likely benign for NFKB1-related condition. Last evaluated: 2024-10-23. Review status: criteria provided, single submitter. Criteria: ACMG Guidelines, 2015. Collection method: clinical testing. Allele origin: germline.
Comment: This variant is classified as likely benign based on ACMG/AMP sequence variant interpretation guidelines (Richards et al. 2015 PMID: 25741868, with internal and published modifications).

CeGaT Center for Human Genetics Tuebingen
Classification: Benign. Last evaluated: 2022-07-01. Review status: criteria provided, single submitter. Criteria: CeGaT Center For Human Genetics Tuebingen Variant Classification Criteria Version 2. Collection method: clinical testing. Allele origin: germline. Affected: yes. Observed: 1 variant allele.
Comment: NFKB1: BS1, BS2

Fulgent Genetics
Classification: Likely benign for Immunodeficiency, common variable, 12. Last evaluated: 2022-04-18. Review status: criteria provided, single submitter. Criteria: ACMG Guidelines, 2015. Collection method: clinical testing. Allele origin: unknown.

NM_003998.4(NFKB1):c.1601G>A (p.Arg534His)

Gene: NFKB1 (nuclear factor kappa B subunit 1; plus strand). Cytogenetic location: 4q24.
Variant type: single nucleotide variant.
Coding change: c.1601G>A on transcript NM_003998.4 (MANE Select); coding-DNA position 1601, G replaced by A.
Protein change: p.Arg534His; replaces arginine 534 with histidine.
Molecular consequence: missense variant.
Genome position (GRCh38, 1-based): chr4:102,597,625, G>A. VCF-style: chr4-102597625-G-A. GRCh37 (hg19) VCF-style: chr4-103518782-G-A.
Other names: c.1598G>A, p.Arg533His (NM_001165412.2, NM_001319226.2); short protein forms R533H, R534H.
Identifiers: ClinVar variation 774175 (VCV000774175.37), dbSNP rs150281816, ClinGen allele CA3026208.